The following is an entry in ClinVar:

NM_000722.4(CACNA2D1):c.3059T>C (p.Ile1020Thr)

Gene: CACNA2D1 (calcium voltage-gated channel auxiliary subunit alpha2delta 1; minus strand). Cytogenetic location: 7q21.11.
Variant type: single nucleotide variant.
Coding change: c.3059T>C on transcript NM_000722.4 (MANE Select); coding-DNA position 3059, T replaced by C.
Protein change: p.Ile1020Thr; replaces isoleucine 1020 with threonine.
Molecular consequence: missense variant.
Genome position (GRCh38, 1-based): chr7:81,959,737, A>G on the plus strand (T>C on the coding strand, the complement: CACNA2D1 is on the minus strand). VCF-style: chr7-81959737-A-G. GRCh37 (hg19) VCF-style: chr7-81589053-A-G.
Other names: c.3095T>C, p.Ile1032Thr (NM_001366867.1); short protein forms I1032T, I1020T.
Identifiers: ClinVar variation 1799329 (VCV001799329.2), dbSNP rs1793878893, ClinGen allele CA367881233.

ClinVar aggregate classification (germline): Uncertain significance (1 of 4 stars; one submission).

Conditions:
Cardiovascular phenotype. Identifiers: MedGen CN230736.

Submission:

Ambry Genetics
Classification: Uncertain significance for Cardiovascular phenotype. Last evaluated: 2018-11-27. Review status: criteria provided, single submitter. Criteria: Ambry Variant Classification Scheme 2023. Collection method: clinical testing. Allele origin: germline.
Comment: The p.I1020T variant (also known as c.3059T>C), located in coding exon 37 of the CACNA2D1 gene, results from a T to C substitution at nucleotide position 3059. The isoleucine at codon 1020 is replaced by threonine, an amino acid with similar properties. Another variant affecting this codon was detected in a sudden unexplained death cohort; however, clinical details were not provided (Lin Y et al. Circ Cardiovasc Genet, 2017 Dec;10(6)). This amino acid position is not well conserved in available vertebrate species. In addition, this alteration is predicted to be tolerated by in silico analysis. Since supporting evidence is limited at this time, the clinical significance of this alteration remains unclear.

Literature cited by the submitters: PubMed 29247119.